The following is an entry in ClinVar:

NM_024747.6(HPS6):c.1127G>A (p.Arg376His)

Gene: HPS6 (HPS6 biogenesis of lysosomal organelles complex 2 subunit 3; plus strand). Cytogenetic location: 10q24.32.
Variant type: single nucleotide variant.
Coding change: c.1127G>A on transcript NM_024747.6 (MANE Select); coding-DNA position 1127, G replaced by A.
Protein change: p.Arg376His; replaces arginine 376 with histidine.
Molecular consequence: missense variant.
Genome position (GRCh38, 1-based): chr10:102,066,601, G>A. VCF-style: chr10-102066601-G-A. GRCh37 (hg19) VCF-style: chr10-103826358-G-A.
Other names: short protein forms R376H.
Identifiers: ClinVar variation 878650 (VCV000878650.5), dbSNP rs1270858817, ClinGen allele CA377864756.
Genomic context (GRCh38, chr10:102,066,601, plus strand): 5'-TAGAACCGCCAGCCCCCGGCATGGAGGATGAGGAAGAGCTGGAGACCCGAGGGAATCTTC[G>A]TCTGCTTTCAGCCTTGGGTCTGTTTTGTGTGGGCTGGGAAGCCCCACAGGGTGTTGAGTT-3'
Protein context (NP_079023.2, residues 366-386): EEELETRGNL[Arg376His]LLSALGLFCV

ClinVar aggregate classification (germline): Uncertain significance. Review status: criteria provided, multiple submitters, no conflicts (2 of 4 stars). 2 submissions from 2 submitters: Uncertain significance (2). Last evaluated 2022-05-21.

Conditions:
Hermansky-Pudlak syndrome 6 (HPS6). Identifiers: Orphanet 231512, Orphanet 79430, MedGen C3888007, MONDO:0013558, OMIM 614075.

Allele frequency attached by ClinVar (database versions not stated): gnomAD exomes below 0.00001.
gnomAD v4.1: 8 of 1,614,064 alleles (0.0005%); highest among the groups gnomAD compares: Non-Finnish European, 0.00059%; no homozygotes.

Submissions (2):

Labcorp Genetics (formerly Invitae), Labcorp
Classification: Uncertain significance. Last evaluated: 2022-05-21. Review status: criteria provided, single submitter. Criteria: Invitae Variant Classification Sherloc (09022015). Collection method: clinical testing. Allele origin: germline.
Comment: This sequence change replaces arginine, which is basic and polar, with histidine, which is basic and polar, at codon 376 of the HPS6 protein (p.Arg376His). This variant is present in population databases (no rsID available, gnomAD 0.0009%). This variant has not been reported in the literature in individuals affected with HPS6-related conditions. ClinVar contains an entry for this variant (Variation ID: 878650). Algorithms developed to predict the effect of missense changes on protein structure and function output the following: SIFT: "Tolerated"; PolyPhen-2: "Benign"; Align-GVGD: "Class C0". The histidine amino acid residue is found in multiple mammalian species, which suggests that this missense change does not adversely affect protein function. In summary, the available evidence is currently insufficient to determine the role of this variant in disease. Therefore, it has been classified as a Variant of Uncertain Significance.

Illumina Laboratory Services, Illumina
Classification: Uncertain significance for Hermansky-Pudlak syndrome 6. Last evaluated: 2018-01-12. Review status: criteria provided, single submitter. Criteria: ICSL Variant Classification Criteria 13 December 2019. Collection method: clinical testing. Allele origin: germline.